The following is an entry in ClinVar:

NM_001042646.3(TRAK1):c.1549G>A (p.Glu517Lys)

Gene: TRAK1 (trafficking kinesin protein 1; plus strand). Cytogenetic location: 3p22.1.
Variant type: single nucleotide variant.
Coding change: c.1549G>A on transcript NM_001042646.3 (MANE Select); coding-DNA position 1549, G replaced by A.
Protein change: p.Glu517Lys; replaces glutamic acid 517 with lysine.
Molecular consequence: missense variant. On other transcripts: non-coding transcript variant (1).
Genome position (GRCh38, 1-based): chr3:42,202,557, G>A. VCF-style: chr3-42202557-G-A. GRCh37 (hg19) VCF-style: chr3-42244049-G-A.
Other names: c.1549G>A, p.Glu517Lys (NM_001265608.2, NM_001349246.2, NM_001349247.2); c.1327G>A, p.Glu443Lys (NM_001265609.2, NM_001265610.1, NM_001349248.1 and 1 more transcripts); c.1237G>A, p.Glu413Lys (NM_001349245.1); c.1375G>A, p.Glu459Lys (NM_014965.5); c.1549G>A (NM_001042646.2); short protein forms E413K, E443K, E459K, E517K.
Identifiers: ClinVar variation 1701455 (VCV001701455.37), dbSNP rs146404227, ClinGen allele CA2333519.

ClinVar aggregate classification (germline): Benign. Review status: criteria provided, multiple submitters, no conflicts (2 of 4 stars). 3 submissions from 3 submitters: Benign (2). 1 of the submissions does not count toward it. Last evaluated 2026-01-06.

Conditions:
TRAK1-related disorder. Also called: TRAK1-related condition.

Allele frequency attached by ClinVar (database versions not stated): TOPMed 0.00229; ExAC 0.00234; ESP Exome Variant Server 0.00238; gnomAD exomes 0.00268 and 0.00218; 1000 Genomes Project 0.00040; 1000 Genomes Project 30x 0.00047; gnomAD 0.00194 and 0.00203.
gnomAD v4.1: 3,560 of 1,579,948 alleles (0.23%); highest among the groups gnomAD compares: Non-Finnish European, 0.17%; 34 homozygotes.

Submissions (3):

Labcorp Genetics (formerly Invitae), Labcorp
Classification: Benign. Last evaluated: 2026-01-06. Review status: criteria provided, single submitter. Criteria: Invitae Variant Classification Sherloc (09022015). Collection method: clinical testing. Allele origin: germline.

CeGaT Center for Human Genetics Tuebingen
Classification: Benign. Last evaluated: 2022-09-01. Review status: criteria provided, single submitter. Criteria: CeGaT Center For Human Genetics Tuebingen Variant Classification Criteria Version 2. Collection method: clinical testing. Allele origin: germline. Affected: yes. Observed: 2 variant alleles.
Comment: TRAK1: BS1, BS2

PreventionGenetics, part of Exact Sciences
Classification: Benign for TRAK1-related condition. Last evaluated: 2019-08-20. Review status: no assertion criteria provided. Collection method: clinical testing. Allele origin: germline. Not counted in ClinVar's aggregate classification.
Comment: This variant is classified as benign based on ACMG/AMP sequence variant interpretation guidelines (Richards et al. 2015 PMID: 25741868, with internal and published modifications).